The following is an entry in ClinVar:

NM_000455.5(STK11):c.815A>G (p.Tyr272Cys)

Gene: STK11 (serine/threonine kinase 11; plus strand). Cytogenetic location: 19p13.3.
Variant type: single nucleotide variant.
Coding change: c.815A>G on transcript NM_000455.5 (MANE Select); coding-DNA position 815, A replaced by G.
Protein change: p.Tyr272Cys; replaces tyrosine 272 with cysteine.
Molecular consequence: missense variant.
Genome position (GRCh38, 1-based): chr19:1,221,293, A>G. VCF-style: chr19-1221293-A-G. GRCh37 (hg19) VCF-style: chr19-1221292-A-G.
Other names: short protein forms Y272C.
Identifiers: ClinVar variation 1376238 (VCV001376238.6), dbSNP rs2145427080, ClinGen allele CA402950611.
Genomic context (GRCh38, chr19:1,221,293, plus strand): 5'-TGTACCCCTTCGAAGGGGACAACATCTACAAGTTGTTTGAGAACATCGGGAAGGGGAGCT[A>G]CGCCATCCCGGGCGACTGTGGCCCCCCGCTCTCTGACCTGCTGAAAGGTGGGAGCCTCAT-3'
Protein context (NP_000446.1, residues 262-282): KLFENIGKGS[Tyr272Cys]AIPGDCGPPL

ClinVar aggregate classification (germline): Uncertain significance (1 of 4 stars; one submission).

Conditions:
Peutz-Jeghers syndrome (PJS). Also called: POLYPOSIS, HAMARTOMATOUS INTESTINAL; POLYPS-AND-SPOTS SYNDROME; Peutz-Jeghers polyposis; Periorificial lentiginosis syndrome. Identifiers: Orphanet 2869, MedGen C0031269, MeSH D010580, MONDO:0008280, OMIM 175200.

Submission:

Labcorp Genetics (formerly Invitae), Labcorp
Classification: Uncertain significance for Peutz-Jeghers syndrome. Last evaluated: 2021-12-04. Review status: criteria provided, single submitter. Criteria: Invitae Variant Classification Sherloc (09022015). Collection method: clinical testing. Allele origin: germline.
Comment: This sequence change replaces tyrosine, which is neutral and polar, with cysteine, which is neutral and slightly polar, at codon 272 of the STK11 protein (p.Tyr272Cys). This variant is not present in population databases (gnomAD no frequency). This variant has not been reported in the literature in individuals affected with STK11-related conditions. Advanced modeling of protein sequence and biophysical properties (such as structural, functional, and spatial information, amino acid conservation, physicochemical variation, residue mobility, and thermodynamic stability) performed at Invitae indicates that this missense variant is expected to disrupt STK11 protein function. In summary, the available evidence is currently insufficient to determine the role of this variant in disease. Therefore, it has been classified as a Variant of Uncertain Significance.